The following is an entry in ClinVar:

NM_000091.5(COL4A3):c.2638G>T (p.Gly880Ter)

Genes: COL4A3 (collagen type IV alpha 3 chain; plus strand), MFF-DT (MFF divergent transcript; minus strand). Cytogenetic location: 2q36.3.
Variant type: single nucleotide variant.
Coding change: c.2638G>T on transcript NM_000091.5 (MANE Select); coding-DNA position 2638, G replaced by T.
Protein change: p.Gly880Ter; replaces glycine 880 with a stop codon.
Molecular consequence: nonsense.
Genome position (GRCh38, 1-based): chr2:227,282,514, G>T. VCF-style: chr2-227282514-G-T. GRCh37 (hg19) VCF-style: chr2-228147230-G-T.
Other names: c.2638G>T (NM_000091.4); short protein forms G880*.
Identifiers: ClinVar variation 1070962 (VCV001070962.9), dbSNP rs2106164697, ClinGen allele CA350850813.

ClinVar aggregate classification (germline): Pathogenic/Likely pathogenic. Review status: criteria provided, multiple submitters, no conflicts (2 of 4 stars). 2 submissions from 2 submitters: Pathogenic (1); Likely pathogenic (1). Last evaluated 2025-05-26.

Conditions:
Alport syndrome. Also called: Hemorrhagic familial nephritis; Hemorrhagic hereditary nephritis; Congenital hereditary hematuria. Identifiers: Orphanet 63, MedGen C1567741, MONDO:0018965.

Submissions (2):

Natera, Inc.
Classification: Likely pathogenic for Alport syndrome. Last evaluated: 2025-05-26. Review status: criteria provided, single submitter. Criteria: Natera Variant Classification Schema (03/2026). Collection method: clinical testing. Allele origin: germline.
Comment: The c.2638G>T variant in COL4A3 is a nonsense variant predicted to introduce a stop codon at amino acid 880. This variant is expected to result in nonsense mediated decay, truncation, or a dysfunctional protein product. This variant is rare in the general population with a frequency below the threshold expected for the associated phenotype(s). Given the available evidence, this variant is classified as Likely Pathogenic.

Labcorp Genetics (formerly Invitae), Labcorp
Classification: Pathogenic. Last evaluated: 2020-09-30. Review status: criteria provided, single submitter. Criteria: Invitae Variant Classification Sherloc (09022015). Collection method: clinical testing. Allele origin: germline.
Comment: For these reasons, this variant has been classified as Pathogenic. Loss-of-function variants in COL4A3 are known to be pathogenic (PMID: 8956999, 24854265). This variant has not been reported in the literature in individuals with COL4A3-related conditions. This variant is not present in population databases (ExAC no frequency). This sequence change creates a premature translational stop signal (p.Gly880*) in the COL4A3 gene. It is expected to result in an absent or disrupted protein product.

Literature cited by the submitters: PubMed 8956999 (cited by Labcorp Genetics (formerly Invitae), Labcorp); PubMed 24854265 (cited by Labcorp Genetics (formerly Invitae), Labcorp).